The following is an entry in ClinVar:

ClinVar aggregate classification (germline): Uncertain significance. Review status: criteria provided, single submitter (1 of 4 stars). 2 submissions from 2 submitters: Uncertain significance (1). 1 of the submissions does not count toward it. Last evaluated 2025-01-19.

Conditions:
RAI1-related disorder. Also called: RAI1-related condition.

Submissions (2):

Labcorp Genetics (formerly Invitae), Labcorp
Classification: Uncertain significance. Last evaluated: 2025-01-19. Review status: criteria provided, single submitter. Criteria: Invitae Variant Classification Sherloc (09022015). Collection method: clinical testing. Allele origin: germline.
Comment: This variant, c.846_872del, results in the deletion of 9 amino acid(s) of the RAI1 protein (p.Gln283_Gln291del), but otherwise preserves the integrity of the reading frame. This variant is not present in population databases (gnomAD no frequency). This variant has not been reported in the literature in individuals affected with RAI1-related conditions. Experimental studies and prediction algorithms are not available or were not evaluated, and the functional significance of this variant is currently unknown. In summary, the available evidence is currently insufficient to determine the role of this variant in disease. Therefore, it has been classified as a Variant of Uncertain Significance.

PreventionGenetics, part of Exact Sciences
Classification: Uncertain significance for RAI1-related condition. Last evaluated: 2024-09-28. Review status: no assertion criteria provided. Collection method: clinical testing. Allele origin: germline. Not counted in ClinVar's aggregate classification.
Comment: The RAI1 c.846_872del27 variant is predicted to result in an in-frame deletion (p.Gln283_Gln291del). To our knowledge, this variant has not been reported in the literature or in a large population database, indicating this variant is rare. At this time, the clinical significance of this variant is uncertain due to the absence of conclusive functional and genetic evidence.

NM_030665.4(RAI1):c.834GCA[4] (p.Gln283_Gln291del)

Gene: RAI1 (retinoic acid induced 1; plus strand). Cytogenetic location: 17p11.2.
Variant type: Microsatellite.
Coding change: c.834GCA[4] on transcript NM_030665.4 (MANE Select); four copies in a row of the 3-base unit GCA starting at c.834; the reference has 13 copies in a row; nine copies, 27 bases deleted.
Protein change: p.Gln283_Gln291del.
Molecular consequence: inframe deletion.
Genome position (GRCh38, 1-based): chr17:17,793,794-17,793,820, GCAGCAGCAGCAGCAGCAGCAGCAGCA deleted; deleting any 27 consecutive bases within chr17:17,793,780-17,793,820 gives the same sequence; the position shown is the placement nearest the transcript's 3' end. VCF-style (leftmost placement, unchanged base first): chr17-17793779-CCAGCAGCAGCAGCAGCAGCAGCAGCAG-C. GRCh37 (hg19) VCF-style: chr17-17697093-CCAGCAGCAGCAGCAGCAGCAGCAGCAG-C.
Other names: c.846_872del27 (NM_030665.3).
Identifiers: ClinVar variation 1508638 (VCV001508638.7), dbSNP rs371983878, ClinGen allele CA726623008.